The following is an entry in ClinVar:

ClinVar aggregate classification (germline): Pathogenic (1 of 4 stars; one submission).

Submission:

ISCA Site 6
Classification: Pathogenic. Last evaluated: 2011-08-12. Review status: criteria provided, single submitter. Criteria: Kaminsky et al. (Genet Med. 2011). Collection method: clinical testing. Allele origin: maternal, unknown, de novo. Affected: yes. Observed: 11 variant alleles. Clinical features observed: Abnormal facial shape (HP:0001999), Wide mouth (HP:0000154), Global developmental delay (HP:0001263), Macrocephaly (HP:0000256), Hypertrophic cardiomyopathy (HP:0001639), Anophthalmia (HP:0000528), Almond-shaped palpebral fissure (HP:0007874), Intellectual disability (HP:0001249), Epicanthus (HP:0000286), Small chin (HP:0000331), Broad forehead (HP:0000337), Cleft upper lip (HP:0000204), and 17 more.
Comment: Copy number variation identified through the course of routine clinical cytogenomic testing in postnatal populations. Clinical assertions have been curated as described in Kaminsky et al. 2011.

GRCh38/hg38 16p11.2(chr16:29645363-30183432)x1

Genes: ALDOA (aldolase, fructose-bisphosphate A; plus strand), ASPHD1 (aspartate beta-hydroxylase domain containing 1; plus strand), C16orf54 (chromosome 16 open reading frame 54; minus strand), CDIPT (CDP-diacylglycerol--inositol 3-phosphatidyltransferase; minus strand), CDIPTOSP (CDIP transferase opposite strand, pseudogene; plus strand) and 92 more. Cytogenetic location: 16p11.2.
Variant type: copy number loss.
Change: copy number 1 (one copy instead of two) of chr16:29,645,363-30,183,432 (538.1 kb, GRCh38 coordinates, 1-based), cytogenetic band 16p11.2.
Identifiers: ClinVar variation 60385 (VCV000060385.2).